The following is an entry in ClinVar:

ClinVar aggregate classification (germline): Uncertain significance (1 of 4 stars; one submission).

Allele frequency attached by ClinVar (database versions not stated): ExAC 0.00001.

Submission:

Labcorp Genetics (formerly Invitae), Labcorp
Classification: Uncertain significance. Last evaluated: 2021-12-27. Review status: criteria provided, single submitter. Criteria: Invitae Variant Classification Sherloc (09022015). Collection method: clinical testing. Allele origin: germline.
Comment: This sequence change replaces serine, which is neutral and polar, with asparagine, which is neutral and polar, at codon 37 of the PRCD protein (p.Ser37Asn). This variant is not present in population databases (gnomAD no frequency). This variant has not been reported in the literature in individuals affected with PRCD-related conditions. Algorithms developed to predict the effect of missense changes on protein structure and function are either unavailable or do not agree on the potential impact of this missense change (SIFT: "Deleterious"; PolyPhen-2: "Benign"; Align-GVGD: "Class C0"). In summary, the available evidence is currently insufficient to determine the role of this variant in disease. Therefore, it has been classified as a Variant of Uncertain Significance.

NM_001077620.3(PRCD):c.110G>A (p.Ser37Asn)

Genes: CYGB (cytoglobin; minus strand), PRCD (photoreceptor disc component; plus strand). Cytogenetic location: 17q25.1.
Variant type: single nucleotide variant.
Coding change: c.110G>A on transcript NM_001077620.3 (MANE Select); coding-DNA position 110, G replaced by A.
Protein change: p.Ser37Asn; replaces serine 37 with asparagine.
Molecular consequence: missense variant. On other transcripts: non-coding transcript variant (1).
Genome position (GRCh38, 1-based): chr17:76,540,540, G>A. VCF-style: chr17-76540540-G-A. GRCh37 (hg19) VCF-style: chr17-74536622-G-A.
Other names: short protein forms S37N.
Identifiers: ClinVar variation 1914557 (VCV001914557.2), dbSNP rs753270253, ClinGen allele CA8787913.
Genomic context (GRCh38, chr17:76,540,540, plus strand): 5'-TCCTCCCTACTCTTGCCTCCCACAGAGAGCCCAGCGACGTGGATGGGGCAGCTAGGGGCA[G>A]CAGCTTGGATGCGGACCCTCAGTCCTCAGGCAGGTAAGGCAGGAGTCTGGGCTGGGGGAG-3'
Protein context (NP_001071088.1, residues 27-47): PSDVDGAARG[Ser37Asn]SLDADPQSSG